The following is an entry in ClinVar:

NM_000238.4(KCNH2):c.2531T>C (p.Met844Thr)

Gene: KCNH2 (potassium voltage-gated channel subfamily H member 2; minus strand). Cytogenetic location: 7q36.1.
Variant type: single nucleotide variant.
Coding change: c.2531T>C on transcript NM_000238.4 (MANE Select); coding-DNA position 2531, T replaced by C.
Protein change: p.Met844Thr; replaces methionine 844 with threonine.
Molecular consequence: missense variant. On other transcripts: non-coding transcript variant (2).
Genome position (GRCh38, 1-based): chr7:150,948,917, A>G on the plus strand (T>C on the coding strand, the complement: KCNH2 is on the minus strand). VCF-style: chr7-150948917-A-G. GRCh37 (hg19) VCF-style: chr7-150646005-A-G.
Other names: c.2243T>C, p.Met748Thr (NM_001406753.1); c.1511T>C, p.Met504Thr (NM_172057.3); short protein forms M504T, M748T, M844T.
Identifiers: ClinVar variation 3074117 (VCV003074117.2), dbSNP rs2486015253, ClinGen allele CA369854922.

ClinVar aggregate classification (germline): Uncertain significance. Review status: criteria provided, multiple submitters, no conflicts (2 of 4 stars). 2 submissions from 2 submitters: Uncertain significance (2). Last evaluated 2023-10-23.

Conditions:
Long QT syndrome (LQTS). Identifiers: MedGen C0023976, MeSH D008133, MONDO:0002442. Disease mechanism: loss of function. Inheritance: Various modes of inheritance.

Allele frequency attached by ClinVar (database versions not stated): gnomAD exomes below 0.00001.
gnomAD v4.1: 1 of 1,614,216 alleles (0.000062%); no homozygotes.

Submissions (2):

All of Us Research Program, National Institutes of Health
Classification: Uncertain significance for Long QT syndrome. Last evaluated: 2023-10-23. Review status: criteria provided, single submitter. Criteria: ACMG Guidelines, 2015. Collection method: clinical testing. Allele origin: germline. Inheritance: Autosomal dominant inheritance. Observed: 1 variant allele, 1 heterozygote.
Comment: This missense variant replaces methionine with threonine at codon 844 of the KCNH2 protein. Computational prediction suggests that this variant may have deleterious impact on protein structure and function (internally defined REVEL score threshold >= 0.7, PMID: 27666373). To our knowledge, functional studies have not been reported for this variant. This variant has not been reported in individuals affected with KCNH2-related disorders in the literature. This variant has not been identified in the general population by the Genome Aggregation Database (gnomAD). The available evidence is insufficient to determine the role of this variant in disease conclusively. Therefore, this variant is classified as a Variant of Uncertain Significance.

This study involves interpretation of variants in research participants for the purpose of population health screening. Participant phenotype was not available at the time of variant classification. Additional details can be found in publication PMID: 35346344, PMCID: PMC8962531

Blueprint Genetics
Classification: Uncertain significance. Last evaluated: 2019-03-11. Review status: criteria provided, single submitter. Criteria: ACMG Guidelines, 2015. Collection method: clinical testing. Allele origin: germline.